The following is an entry in ClinVar:

NM_006755.2(TALDO1):c.705C>T (p.Gly235=)

Gene: TALDO1 (transaldolase 1; plus strand). Cytogenetic location: 11p15.5.
Variant type: single nucleotide variant.
Coding change: c.705C>T on transcript NM_006755.2 (MANE Select); coding-DNA position 705, C replaced by T.
Protein change: p.Gly235=; no amino-acid change (glycine 235 retained).
Molecular consequence: synonymous variant.
Genome position (GRCh38, 1-based): chr11:763,814, C>T. VCF-style: chr11-763814-C-T. GRCh37 (hg19) VCF-style: chr11-763814-C-T.
Other names: c.705C>T (NM_006755.1).
Identifiers: ClinVar variation 4706432 (VCV004706432.2).

ClinVar aggregate classification (germline): Likely benign. Review status: criteria provided, multiple submitters, no conflicts (2 of 4 stars). 2 submissions from 2 submitters: Likely benign (2). Last evaluated 2026-06-16.

Conditions:
TALDO1-related disorder. Also called: TALDO1-related condition.

Submissions (2):

PreventionGenetics, part of Exact Sciences
Classification: Likely benign for TALDO1-related condition. Last evaluated: 2026-06-16. Review status: criteria provided, single submitter. Criteria: ACMG Guidelines, 2015. Collection method: clinical testing. Allele origin: germline.
Comment: This variant is classified as likely benign based on ACMG/AMP sequence variant interpretation guidelines (Richards et al. 2015 PMID: 25741868, with internal and published modifications).

Labcorp Genetics (formerly Invitae), Labcorp
Classification: Likely benign. Last evaluated: 2025-03-19. Review status: criteria provided, single submitter. Criteria: Invitae Variant Classification Sherloc (09022015). Collection method: clinical testing. Allele origin: germline.